The following is an entry in ClinVar:

ClinVar aggregate classification (germline): Likely benign. Review status: criteria provided, multiple submitters, no conflicts (2 of 4 stars). 3 submissions from 3 submitters: Likely benign (2). 1 of the submissions does not count toward it. Last evaluated 2025-12-31.

Conditions:
Emery-Dreifuss muscular dystrophy 5, autosomal dominant (EDMD5). Also called: EMERY-DREIFUSS MUSCULAR DYSTROPHY 5. Identifiers: Orphanet 261, MedGen C2751805, MONDO:0013072, OMIM 612999.
SYNE2-related disorder. Also called: SYNE2-related condition.

Allele frequency attached by ClinVar (database versions not stated): ExAC 0.00008; gnomAD exomes 0.00010; 1000 Genomes Project 30x 0.00016; 1000 Genomes Project 0.00020; gnomAD 0.00023 and 0.00026; TOPMed 0.00030; ESP Exome Variant Server 0.00050.
gnomAD v4.1: 96 of 1,614,060 alleles (0.0059%); highest among the groups gnomAD compares: African/African-American, 0.099%; 1 homozygote.

Submissions (3):

Labcorp Genetics (formerly Invitae), Labcorp
Classification: Likely benign for Emery-Dreifuss muscular dystrophy 5, autosomal dominant. Last evaluated: 2025-12-31. Review status: criteria provided, single submitter. Criteria: Invitae Variant Classification Sherloc (09022015). Collection method: clinical testing. Allele origin: germline.

Blueprint Genetics
Classification: Likely benign. Last evaluated: 2024-09-11. Review status: criteria provided, single submitter. Criteria: ACMG Guidelines, 2015. Collection method: clinical testing. Allele origin: germline.

PreventionGenetics, part of Exact Sciences
Classification: Likely benign for SYNE2-related condition. Last evaluated: 2019-11-12. Review status: no assertion criteria provided. Collection method: clinical testing. Allele origin: germline. Not counted in ClinVar's aggregate classification.
Comment: This variant is classified as likely benign based on ACMG/AMP sequence variant interpretation guidelines (Richards et al. 2015 PMID: 25741868, with internal and published modifications).

NM_182914.3(SYNE2):c.1962G>A (p.Leu654=)

Gene: SYNE2 (spectrin repeat containing nuclear envelope protein 2; plus strand). Cytogenetic location: 14q23.2.
Variant type: single nucleotide variant.
Coding change: c.1962G>A on transcript NM_182914.3 (MANE Select); coding-DNA position 1962, G replaced by A.
Protein change: p.Leu654=; no amino-acid change (leucine 654 retained).
Molecular consequence: synonymous variant.
Genome position (GRCh38, 1-based): chr14:63,982,755, G>A. VCF-style: chr14-63982755-G-A. GRCh37 (hg19) VCF-style: chr14-64449473-G-A.
Other names: c.1962G>A, p.Leu654= (NM_015180.6).
Identifiers: ClinVar variation 703982 (VCV000703982.12), dbSNP rs183609756, ClinGen allele CA7219555.
Genomic context (GRCh38, chr14:63,982,755, plus strand): 5'-CTTAGTCGAAGTCAGCAATGATGTGGTTGGATCATCTATTTCTAAAGAACTGAGAAGGCT[G>A]AATAAAAGATGGAGAAAGTTGGTTTCAAAAACTCAACTTGTAAGTTCTTTTGATTGGTTG-3'
Protein context (NP_878918.2, residues 644-664): GSSISKELRR[Leu654=]NKRWRKLVSK